The following is an entry in ClinVar:

NM_004863.4(SPTLC2):c.829A>G (p.Ile277Val)

Gene: SPTLC2 (serine palmitoyltransferase long chain base subunit 2; minus strand). Cytogenetic location: 14q24.3.
Variant type: single nucleotide variant.
Coding change: c.829A>G on transcript NM_004863.4 (MANE Select); coding-DNA position 829, A replaced by G.
Protein change: p.Ile277Val; replaces isoleucine 277 with valine.
Molecular consequence: missense variant.
Genome position (GRCh38, 1-based): chr14:77,562,417, T>C on the plus strand (A>G on the coding strand, the complement: SPTLC2 is on the minus strand). VCF-style: chr14-77562417-T-C. GRCh37 (hg19) VCF-style: chr14-78028760-T-C.
Other names: c.829A>G (NM_004863.3); short protein forms I277V.
Identifiers: ClinVar variation 1012079 (VCV001012079.9), dbSNP rs2079619707, ClinGen allele CA390710601.

ClinVar aggregate classification (germline): Uncertain significance. Review status: criteria provided, multiple submitters, no conflicts (2 of 4 stars). 2 submissions from 2 submitters: Uncertain significance (2). Last evaluated 2024-02-05.

Conditions:
Inborn genetic diseases. Identifiers: MedGen C0950123, MeSH D030342.
Neuropathy, hereditary sensory and autonomic, type 1C. Also called: HSAN IC; HSN IC. Identifiers: Orphanet 36386, MedGen C3150896, MONDO:0013337, OMIM 613640.

Allele frequency attached by ClinVar (database versions not stated): gnomAD exomes below 0.00001; TOPMed 0.00001.
gnomAD v4.1: 2 of 1,614,216 alleles (0.00012%); highest among the groups gnomAD compares: East Asian, 0.0022%; no homozygotes.

Submissions (2):

Ambry Genetics
Classification: Uncertain significance for Inborn genetic diseases. Last evaluated: 2024-02-05. Review status: criteria provided, single submitter. Criteria: Ambry Variant Classification Scheme 2023. Collection method: clinical testing. Allele origin: germline.

Labcorp Genetics (formerly Invitae), Labcorp
Classification: Uncertain significance for Neuropathy, hereditary sensory and autonomic, type 1C. Last evaluated: 2018-06-21. Review status: criteria provided, single submitter. Criteria: Invitae Variant Classification Sherloc (09022015). Collection method: clinical testing. Allele origin: germline.
Comment: In summary, the available evidence is currently insufficient to determine the role of this variant in disease. Therefore, it has been classified as a Variant of Uncertain Significance. Algorithms developed to predict the effect of missense changes on protein structure and function (SIFT, PolyPhen-2, Align-GVGD) all suggest that this variant is likely to be tolerated, but these predictions have not been confirmed by published functional studies and their clinical significance is uncertain. This variant has not been reported in the literature in individuals with SPTLC2-related disease. This variant is not present in population databases (ExAC no frequency). This sequence change replaces isoleucine with valine at codon 277 of the SPTLC2 protein (p.Ile277Val). The isoleucine residue is moderately conserved and there is a small physicochemical difference between isoleucine and valine.